The following is an entry in ClinVar:

NM_001077350.3(NPRL3):c.1070del (p.Pro357fs)

Genes: HBA-LCR (alpha-globin locus control region; plus strand), NPRL3 (NPR3 like, GATOR1 complex subunit; minus strand). Cytogenetic location: 16p13.3.
Variant type: Deletion.
Coding change: c.1070del on transcript NM_001077350.3 (MANE Select); coding-DNA position 1070, one base deleted (C; older notation c.1070delC).
Protein change: p.Pro357fs; shifts the reading frame from proline 357.
Molecular consequence: frameshift variant.
Genome position (GRCh38, 1-based): chr16:92,687, G deleted on the plus strand (C on the coding strand, the reverse complement: NPRL3 is on the minus strand); the first of 3 consecutive G bases (chr16:92,687-92,689); deleting any one gives the same sequence. VCF-style (leftmost placement, unchanged base first): chr16-92686-TG-T. GRCh37 (hg19) VCF-style: chr16-142684-TG-T.
Other names: c.533del, p.Pro178fs (NM_001039476.3); c.836del, p.Pro279fs (NM_001243247.2); c.995del, p.Pro332fs (NM_001243248.2, NM_001243249.2); short protein forms P279fs, P357fs, P178fs, P332fs.
Identifiers: ClinVar variation 254361 (VCV000254361.9), dbSNP rs886037962, ClinGen allele CA10586474.

ClinVar aggregate classification (germline): Pathogenic. Review status: criteria provided, single submitter (1 of 4 stars). 2 submissions from 2 submitters: Pathogenic (1). 1 of the submissions does not count toward it. Last evaluated 2023-11-27.

Conditions:
Epilepsy, familial focal, with variable foci 3 (FFEVF3). Identifiers: MedGen C4310708, MONDO:0014925, OMIM 617118.

Submissions (2):

Labcorp Genetics (formerly Invitae), Labcorp
Classification: Pathogenic for Epilepsy, familial focal, with variable foci 3. Last evaluated: 2023-11-27. Review status: criteria provided, single submitter. Criteria: Invitae Variant Classification Sherloc (09022015). Collection method: clinical testing. Allele origin: germline.
Comment: This sequence change creates a premature translational stop signal (p.Pro357Hisfs*56) in the NPRL3 gene. It is expected to result in an absent or disrupted protein product. Loss-of-function variants in NPRL3 are known to be pathogenic (PMID: 26285051, 26505888). This variant is not present in population databases (gnomAD no frequency). This premature translational stop signal has been observed in individual(s) with familial focal epilepsy with variable foci (PMID: 27173016). It has also been observed to segregate with disease in related individuals. ClinVar contains an entry for this variant (Variation ID: 254361). For these reasons, this variant has been classified as Pathogenic.

OMIM
Classification: Pathogenic for EPILEPSY, FAMILIAL FOCAL, WITH VARIABLE FOCI 3. Last evaluated: 2016-09-21. Review status: no assertion criteria provided. Collection method: literature only. Allele origin: germline. Not counted in ClinVar's aggregate classification.

Literature cited by the submitters: PubMed 26285051 (cited by Labcorp Genetics (formerly Invitae), Labcorp); PubMed 26505888 (cited by Labcorp Genetics (formerly Invitae), Labcorp); PubMed 27173016 (cited by Labcorp Genetics (formerly Invitae), Labcorp and OMIM).